The following is an entry in ClinVar:

NM_000138.5(FBN1):c.3264C>A (p.Asn1088Lys)

Gene: FBN1 (fibrillin 1; minus strand). Cytogenetic location: 15q21.1.
Variant type: single nucleotide variant.
Coding change: c.3264C>A on transcript NM_000138.5 (MANE Select); coding-DNA position 3264, C replaced by A.
Protein change: p.Asn1088Lys; replaces asparagine 1088 with lysine.
Molecular consequence: missense variant.
Genome position (GRCh38, 1-based): chr15:48,488,186, G>T on the plus strand (C>A on the coding strand, the complement: FBN1 is on the minus strand). VCF-style: chr15-48488186-G-T. GRCh37 (hg19) VCF-style: chr15-48780383-G-T.
Other names: short protein forms N1088K.
Identifiers: ClinVar variation 859589 (VCV000859589.9), dbSNP rs2043525387, ClinGen allele CA392327395.

ClinVar aggregate classification (germline): Uncertain significance (1 of 4 stars; one submission).

Conditions:
Familial thoracic aortic aneurysm and aortic dissection (TAAD). Also called: Thoracic aortic aneurysms and dissections. Identifiers: Orphanet 91387, MedGen C4707243, MONDO:0019625.
Marfan syndrome (MFS). Also called: FBN1-Related Marfan Syndrome; Marfan's syndrome; MARFAN SYNDROME, TYPE I; Marfan syndrome type 1; Marfan syndrome, classic. Identifiers: Orphanet 284963, Orphanet 558, MedGen C0024796, MONDO:0007947, OMIM 154700.

Submission:

Labcorp Genetics (formerly Invitae), Labcorp
Classification: Uncertain significance for Marfan syndrome; Familial thoracic aortic aneurysm and aortic dissection. Last evaluated: 2020-02-13. Review status: criteria provided, single submitter. Criteria: Invitae Variant Classification Sherloc (09022015). Collection method: clinical testing. Allele origin: germline.
Comment: This variant has not been reported in the literature in individuals with FBN1-related conditions. In summary, the available evidence is currently insufficient to determine the role of this variant in disease. Therefore, it has been classified as a Variant of Uncertain Significance. Algorithms developed to predict the effect of missense changes on protein structure and function (SIFT, PolyPhen-2, Align-GVGD) all suggest that this variant is likely to be disruptive, but these predictions have not been confirmed by published functional studies and their clinical significance is uncertain. This variant is not present in population databases (ExAC no frequency). This sequence change replaces asparagine with lysine at codon 1088 of the FBN1 protein (p.Asn1088Lys). The asparagine residue is highly conserved and there is a moderate physicochemical difference between asparagine and lysine.